The following is an entry in ClinVar:

ClinVar aggregate classification (germline): Uncertain significance (1 of 4 stars; one submission).

Conditions:
POLD1-related disorder. Also called: POLD1-related condition; POLD1-related disorders.

gnomAD v4.1: 9 of 1,585,948 alleles (0.00057%); highest among the groups gnomAD compares: South Asian, 0.0023%; no homozygotes.

Submission:

PreventionGenetics, part of Exact Sciences
Classification: Uncertain significance for POLD1-related condition. Last evaluated: 2022-11-10. Review status: criteria provided, single submitter. Criteria: ACMG Guidelines, 2015. Collection method: clinical testing. Allele origin: germline.
Comment: The POLD1 c.1786C>T variant is predicted to result in premature protein termination (p.Gln596*). This variant is referred to as c.1776-68C>T (intronic) with an alternate transcript NM_002691.3. To our knowledge, this variant has not been reported in the literature. This variant is reported in 0.0037% of alleles in individuals of South Asian descent in gnomAD. At this time, the clinical significance of this variant is uncertain due to the absence of conclusive functional and genetic evidence.

NM_002691.4(POLD1):c.1776-68C>T

Gene: POLD1 (DNA polymerase delta 1, catalytic subunit; plus strand). Cytogenetic location: 19q13.33.
Variant type: single nucleotide variant.
Coding change: c.1776-68C>T on transcript NM_002691.4 (MANE Select); 68 bases into the intron before coding-DNA position 1776, C replaced by T.
Molecular consequence: intron variant. On other transcripts: nonsense (1).
Genome position (GRCh38, 1-based): chr19:50,408,717, C>T. VCF-style: chr19-50408717-C-T. GRCh37 (hg19) VCF-style: chr19-50911974-C-T.
Other names: c.1786C>T, p.Gln596Ter (NM_001308632.1); c.1776-68C>T (NM_001256849.1); short protein forms Q596*.
Identifiers: ClinVar variation 2628537 (VCV002628537.1), dbSNP rs869312619, ClinGen allele CA406981552.